The following is an entry in ClinVar:

ClinVar aggregate classification (germline): Conflicting classifications of pathogenicity. Review status: criteria provided, conflicting classifications (1 of 4 stars). 2 submissions from 2 submitters: Uncertain significance (1); Likely benign (1). Last evaluated 2026-08-14.

Conditions:
Oligodontia-cancer predisposition syndrome. Also called: TOOTH AGENESIS-COLORECTAL CANCER SYNDROME. Identifiers: Orphanet 300576, MedGen C1837750, MONDO:0012075, OMIM 608615. Disease mechanism: loss of function.
Hereditary cancer-predisposing syndrome. Also called: Hereditary Cancer Syndrome; Tumor predisposition; Hereditary neoplastic syndrome; Neoplastic Syndromes, Hereditary. Identifiers: Orphanet 140162, MedGen C0027672, MeSH D009386, MONDO:0015356.

Submissions (2):

Ambry Genetics
Classification: Likely benign for Hereditary cancer-predisposing syndrome. Last evaluated: 2026-08-14. Review status: criteria provided, single submitter. Criteria: Ambry Variant Classification Scheme 2023. Collection method: clinical testing. Allele origin: germline.

Labcorp Genetics (formerly Invitae), Labcorp
Classification: Uncertain significance for Oligodontia-cancer predisposition syndrome. Last evaluated: 2023-09-22. Review status: criteria provided, single submitter. Criteria: Invitae Variant Classification Sherloc (09022015). Collection method: clinical testing. Allele origin: germline.
Comment: In summary, the available evidence is currently insufficient to determine the role of this variant in disease. Therefore, it has been classified as a Variant of Uncertain Significance. Advanced modeling of protein sequence and biophysical properties (such as structural, functional, and spatial information, amino acid conservation, physicochemical variation, residue mobility, and thermodynamic stability) performed at Invitae indicates that this missense variant is not expected to disrupt AXIN2 protein function. ClinVar contains an entry for this variant (Variation ID: 568857). This variant has not been reported in the literature in individuals affected with AXIN2-related conditions. This variant is not present in population databases (gnomAD no frequency). This sequence change replaces proline, which is neutral and non-polar, with serine, which is neutral and polar, at codon 674 of the AXIN2 protein (p.Pro674Ser).

NM_004655.4(AXIN2):c.2020C>T (p.Pro674Ser)

Gene: AXIN2 (axin 2; minus strand). Cytogenetic location: 17q24.1.
Variant type: single nucleotide variant.
Coding change: c.2020C>T on transcript NM_004655.4 (MANE Select); coding-DNA position 2020, C replaced by T.
Protein change: p.Pro674Ser; replaces proline 674 with serine.
Molecular consequence: missense variant.
Genome position (GRCh38, 1-based): chr17:65,536,441, G>A on the plus strand (C>T on the coding strand, the complement: AXIN2 is on the minus strand). VCF-style: chr17-65536441-G-A. GRCh37 (hg19) VCF-style: chr17-63532559-G-A.
Other names: c.2020C>T (LRG_296t1); c.1825C>T, p.Pro609Ser (NM_001363813.1); short protein forms P674S, P609S.
Identifiers: ClinVar variation 568857 (VCV000568857.10), dbSNP rs1567754214, ClinGen allele CA400676147.